The following is an entry in ClinVar:

ClinVar aggregate classification (germline): Conflicting classifications of pathogenicity. Review status: criteria provided, conflicting classifications (1 of 4 stars). 4 submissions from 4 submitters: Uncertain significance (2); Likely benign (2). Last evaluated 2025-12-09.

Conditions:
Autoinflammatory syndrome. Identifiers: Orphanet 93665, MedGen C3890737, MONDO:0019751.
Inborn genetic diseases. Identifiers: MedGen C0950123, MeSH D030342.
Familial cold autoinflammatory syndrome 2 (FCAS2). Identifiers: Orphanet 247868, MedGen C2673198, MONDO:0012724, OMIM 611762.

Allele frequency attached by ClinVar (database versions not stated): gnomAD 0.00001; gnomAD exomes 0.00002.
gnomAD v4.1: 28 of 1,613,894 alleles (0.0017%); highest among the groups gnomAD compares: Non-Finnish European, 0.0024%; no homozygotes.

Submissions (4):

Ambry Genetics
Classification: Uncertain significance for Inborn genetic diseases. Last evaluated: 2025-12-09. Review status: criteria provided, single submitter. Criteria: Ambry Variant Classification Scheme 2023. Collection method: clinical testing. Allele origin: germline.

Blueprint Genetics
Classification: Likely benign. Last evaluated: 2024-05-31. Review status: criteria provided, single submitter. Criteria: ACMG Guidelines, 2015. Collection method: clinical testing. Allele origin: germline.

Labcorp Genetics (formerly Invitae), Labcorp
Classification: Uncertain significance for Familial cold autoinflammatory syndrome 2. Last evaluated: 2023-12-26. Review status: criteria provided, single submitter. Criteria: Invitae Variant Classification Sherloc (09022015). Collection method: clinical testing. Allele origin: germline.
Comment: This sequence change replaces leucine, which is neutral and non-polar, with valine, which is neutral and non-polar, at codon 354 of the NLRP12 protein (p.Leu354Val). This variant is present in population databases (no rsID available, gnomAD 0.003%). This variant has not been reported in the literature in individuals affected with NLRP12-related conditions. ClinVar contains an entry for this variant (Variation ID: 1694388). Advanced modeling of protein sequence and biophysical properties (such as structural, functional, and spatial information, amino acid conservation, physicochemical variation, residue mobility, and thermodynamic stability) performed at Invitae indicates that this missense variant is not expected to disrupt NLRP12 protein function with a negative predictive value of 80%. In summary, the available evidence is currently insufficient to determine the role of this variant in disease. Therefore, it has been classified as a Variant of Uncertain Significance.

Genome Diagnostics Laboratory, The Hospital for Sick Children
Classification: Likely benign for Autoinflammatory syndrome. Last evaluated: 2021-06-04. Review status: criteria provided, single submitter. Criteria: ACMG Guidelines, 2015. Collection method: clinical testing. Allele origin: germline. Affected: yes.

NM_144687.4(NLRP12):c.1060C>G (p.Leu354Val)

Gene: NLRP12 (NLR family pyrin domain containing 12; minus strand). Cytogenetic location: 19q13.42.
Variant type: single nucleotide variant.
Coding change: c.1060C>G on transcript NM_144687.4 (MANE Select); coding-DNA position 1060, C replaced by G.
Protein change: p.Leu354Val; replaces leucine 354 with valine.
Molecular consequence: missense variant.
Genome position (GRCh38, 1-based): chr19:53,810,599, G>C on the plus strand (C>G on the coding strand, the complement: NLRP12 is on the minus strand). VCF-style: chr19-53810599-G-C. GRCh37 (hg19) VCF-style: chr19-54313853-G-C.
Other names: c.1060C>G, p.Leu354Val (NM_001277126.2, NM_001277129.1); c.1060C>G (NM_144687.2); short protein forms L354V.
Identifiers: ClinVar variation 1694388 (VCV001694388.10), dbSNP rs1435117815, ClinGen allele CA407414999.
Genomic context (GRCh38, chr19:53,810,599, plus strand): 5'-AGTATTCCTTCCTTTCTGCCTCAGAGAAGCCCAGGATCTCCACATGCCTGGGGTGCTCCA[G>C]CAGACGGTGGAGCTTCTCCAAAGCCGTGGGCCGTGTGGTGATGAGCAAAGATAGCTCAGG-3'
Protein context (NP_653288.1, residues 344-364): PTALEKLHRL[Leu354Val]EHPRHVEILG